The following is an entry in ClinVar:

ClinVar aggregate classification (germline): Uncertain significance. Review status: criteria provided, multiple submitters, no conflicts (2 of 4 stars). 2 submissions from 2 submitters: Uncertain significance (2). Last evaluated 2024-04-08.

Conditions:
MHC class I deficiency. Identifiers: Orphanet 34592, MedGen C6024714, MONDO:0011476.
Inborn genetic diseases. Identifiers: MedGen C0950123, MeSH D030342.

Allele frequency attached by ClinVar (database versions not stated): gnomAD 0.00001; TOPMed below 0.00001; gnomAD exomes 0.00001 and below 0.00001.
gnomAD v4.1: 2 of 1,614,016 alleles (0.00012%); highest among the groups gnomAD compares: Non-Finnish European, 0.00017%; no homozygotes.

Submissions (2):

Ambry Genetics
Classification: Uncertain significance for Inborn genetic diseases. Last evaluated: 2024-04-08. Review status: criteria provided, single submitter. Criteria: Ambry Variant Classification Scheme 2023. Collection method: clinical testing. Allele origin: germline.

Labcorp Genetics (formerly Invitae), Labcorp
Classification: Uncertain significance for MHC class I deficiency 1. Last evaluated: 2021-05-31. Review status: criteria provided, single submitter. Criteria: Invitae Variant Classification Sherloc (09022015). Collection method: clinical testing. Allele origin: germline.
Comment: This variant is not present in population databases (ExAC no frequency). This sequence change replaces histidine with glutamine at codon 171 of the TAP2 protein (p.His171Gln). The histidine residue is weakly conserved and there is a small physicochemical difference between histidine and glutamine. This variant has not been reported in the literature in individuals with TAP2-related conditions. Algorithms developed to predict the effect of missense changes on protein structure and function are either unavailable or do not agree on the potential impact of this missense change (SIFT: "Tolerated"; PolyPhen-2: "Not Available"; Align-GVGD: "Class C0"). Algorithms developed to predict the effect of sequence changes on RNA splicing suggest that this variant may create or strengthen a splice site, but this prediction has not been confirmed by published transcriptional studies. In summary, the available evidence is currently insufficient to determine the role of this variant in disease. Therefore, it has been classified as a Variant of Uncertain Significance.

NM_001290043.2(TAP2):c.513C>G (p.His171Gln)

Genes: TAP2 (transporter 2, ATP binding cassette subfamily B member; minus strand), LOC107648851 (meiotic recombination hotspot TAP2; plus strand). Cytogenetic location: 6p21.32.
Variant type: single nucleotide variant.
Coding change: c.513C>G on transcript NM_001290043.2 (MANE Select); coding-DNA position 513, C replaced by G.
Protein change: p.His171Gln; replaces histidine 171 with glutamine.
Molecular consequence: missense variant.
Genome position (GRCh38, 1-based): chr6:32,837,632, G>C on the plus strand (C>G on the coding strand, the complement: TAP2 is on the minus strand). VCF-style: chr6-32837632-G-C. GRCh37 (hg19) VCF-style: chr6-32805409-G-C.
Other names: c.513C>G, p.His171Gln (NM_000544.3, NM_018833.3); short protein forms H171Q.
Identifiers: ClinVar variation 1368897 (VCV001368897.8), dbSNP rs1270127514, ClinGen allele CA363586172.